The following is an entry in ClinVar:

ClinVar aggregate classification (germline): Likely pathogenic (1 of 4 stars; one submission).

Conditions:
Amyotrophic lateral sclerosis type 10 (ALS10). Also called: Amyotrophic lateral sclerosis 10, with or without FTD; TARDBP-Related Amyotrophic Lateral Sclerosis-Frontotemporal Dementia; AMYOTROPHIC LATERAL SCLEROSIS 10 WITHOUT FRONTOTEMPORAL DEMENTIA AND WITH TDP43 INCLUSIONS; AMYOTROPHIC LATERAL SCLEROSIS 10 WITH OR WITHOUT FRONTOTEMPORAL DEMENTIA AND WITH TDP43 INCLUSIONS; AMYOTROPHIC LATERAL SCLEROSIS 10 WITH OR WITHOUT FRONTOTEMPORAL DEMENTIA. Identifiers: Orphanet 275872, Orphanet 803, MedGen C2677565, MONDO:0012790, OMIM 612069.

gnomAD v4.1: 1 of 1,613,948 alleles (0.000062%); highest among the groups gnomAD compares: Non-Finnish European, 0.000085%; no homozygotes.

Submission:

3billion
Classification: Likely pathogenic for Amyotrophic lateral sclerosis type 10. Last evaluated: 2025-09-01. Review status: criteria provided, single submitter. Criteria: ACMG Guidelines, 2015. Collection method: clinical testing. Allele origin: germline. Affected: yes.
Comment: The variant is observed at an extremely low frequency in the gnomAD v4.1.0 dataset (total allele frequency: <0.001%). Predicted Consequence/Location: Missense variant. Missense changes are a common disease-causing mechanism. In silico tool predictions suggest damaging effect of the variant on gene or gene product [3Cnet: 0.88 (> 0.75, sensitivity 0.96 and precision 0.92)]. The same nucleotide change resulting in the same amino acid change has been previously reported to be associated with TARDBP-related disorder (PMID: 19760257).A different missense change at the same codon (p.Ala321Asp) has been reported to be associated with TARDBP-related disorder (ClinVar ID: VCV000938527 /PMID: 32253937). Therefore, this variant is classified as Likely pathogenic according to the recommendation of ACMG/AMP guideline.

Literature cited by the submitters: PubMed 19760257; PubMed 32253937.

NM_007375.4(TARDBP):c.962C>T (p.Ala321Val)

Gene: TARDBP (TAR DNA binding protein; plus strand). Cytogenetic location: 1p36.22.
Variant type: single nucleotide variant.
Coding change: c.962C>T on transcript NM_007375.4 (MANE Select); coding-DNA position 962, C replaced by T.
Protein change: p.Ala321Val; replaces alanine 321 with valine.
Molecular consequence: missense variant.
Genome position (GRCh38, 1-based): chr1:11,022,371, C>T. VCF-style: chr1-11022371-C-T. GRCh37 (hg19) VCF-style: chr1-11082428-C-T.
Other names: short protein forms A321V.
Identifiers: ClinVar variation 4853949 (VCV004853949.1).